The following is an entry in ClinVar:

NM_000143.4(FH):c.307G>T (p.Ala103Ser)

Gene: FH (fumarate hydratase; minus strand). Cytogenetic location: 1q43.
Variant type: single nucleotide variant.
Coding change: c.307G>T on transcript NM_000143.4 (MANE Select); coding-DNA position 307, G replaced by T.
Protein change: p.Ala103Ser; replaces alanine 103 with serine.
Molecular consequence: missense variant.
Genome position (GRCh38, 1-based): chr1:241,513,674, C>A on the plus strand (G>T on the coding strand, the complement: FH is on the minus strand). VCF-style: chr1-241513674-C-A. GRCh37 (hg19) VCF-style: chr1-241676974-C-A.
Other names: short protein forms A103S.
Identifiers: ClinVar variation 2587054 (VCV002587054.2), dbSNP rs2527335256, ClinGen allele CA345440839.

ClinVar aggregate classification (germline): Uncertain significance (1 of 4 stars; one submission).

Conditions:
Hereditary cancer-predisposing syndrome. Also called: Tumor predisposition; Hereditary Cancer Syndrome; Hereditary neoplastic syndrome; Neoplastic Syndromes, Hereditary. Identifiers: Orphanet 140162, MedGen C0027672, MeSH D009386, MONDO:0015356.

Submission:

Ambry Genetics
Classification: Uncertain significance for Hereditary cancer-predisposing syndrome. Last evaluated: 2023-07-17. Review status: criteria provided, single submitter. Criteria: Ambry Variant Classification Scheme 2023. Collection method: clinical testing. Allele origin: germline.
Comment: The p.A103S variant (also known as c.307G>T), located in coding exon 3 of the FH gene, results from a G to T substitution at nucleotide position 307. The alanine at codon 103 is replaced by serine, an amino acid with similar properties. This amino acid position is highly conserved in available vertebrate species. In addition, this alteration is predicted to be deleterious by in silico analysis. Since supporting evidence is limited at this time, the clinical significance of this alteration remains unclear.